The following is an entry in ClinVar:

ClinVar aggregate classification (germline): Uncertain significance. Review status: criteria provided, multiple submitters, no conflicts (2 of 4 stars). 2 submissions from 2 submitters: Uncertain significance (2). Last evaluated 2025-11-04.

Conditions:
Tumor predisposition syndrome 3 (TPDS3). Also called: Glioma susceptibility 9; LONG TELOMERE SYNDROME, POT1-RELATED; POT1 Tumor Predisposition; Melanoma, cutaneous malignant, susceptibility to, 10. Identifiers: Orphanet 618, MedGen C4014476, MONDO:0014368, OMIM 615848.
Hereditary cancer-predisposing syndrome. Also called: Tumor predisposition; Hereditary Cancer Syndrome; Hereditary neoplastic syndrome; Neoplastic Syndromes, Hereditary. Identifiers: Orphanet 140162, MedGen C0027672, MeSH D009386, MONDO:0015356.

Allele frequency attached by ClinVar (database versions not stated): gnomAD 0.00001; TOPMed 0.00001.
gnomAD v4.1: 2 of 1,608,178 alleles (0.00012%); highest among the groups gnomAD compares: African/African-American, 0.0013%; no homozygotes.

Submissions (2):

Ambry Genetics
Classification: Uncertain significance for Hereditary cancer-predisposing syndrome. Last evaluated: 2025-11-04. Review status: criteria provided, single submitter. Criteria: Ambry Variant Classification Scheme 2023. Collection method: clinical testing. Allele origin: germline.
Comment: The p.M251I variant (also known as c.753G>A), located in coding exon 6 of the POT1 gene, results from a G to A substitution at nucleotide position 753. The methionine at codon 251 is replaced by isoleucine, an amino acid with highly similar properties. This variant was described as a germline finding in 1/3323 consecutive patients who had clinical testing for variants associated with hematologic malignancies (Lim TL et al. Leukemia, 2022 Jan;36:283-287). This amino acid position is poorly conserved in available vertebrate species. In addition, this alteration is predicted to be tolerated by in silico analysis. Since supporting evidence is limited at this time, the clinical significance of this alteration remains unclear.

Labcorp Genetics (formerly Invitae), Labcorp
Classification: Uncertain significance for Tumor predisposition syndrome 3. Last evaluated: 2025-06-06. Review status: criteria provided, single submitter. Criteria: Invitae Variant Classification Sherloc (09022015). Collection method: clinical testing. Allele origin: germline.
Comment: This sequence change replaces methionine, which is neutral and non-polar, with isoleucine, which is neutral and non-polar, at codon 251 of the POT1 protein (p.Met251Ile). This variant is not present in population databases (gnomAD no frequency). This missense change has been observed in individual(s) with POT1-related conditions (PMID: 34193977). ClinVar contains an entry for this variant (Variation ID: 842709). Invitae Evidence Modeling of protein sequence and biophysical properties (such as structural, functional, and spatial information, amino acid conservation, physicochemical variation, residue mobility, and thermodynamic stability) indicates that this missense variant is not expected to disrupt POT1 protein function with a negative predictive value of 80%. In summary, the available evidence is currently insufficient to determine the role of this variant in disease. Therefore, it has been classified as a Variant of Uncertain Significance.

Literature cited by the submitters: PubMed 34193977 (cited by Ambry Genetics and Labcorp Genetics (formerly Invitae), Labcorp).

NM_015450.3(POT1):c.753G>A (p.Met251Ile)

Gene: POT1 (protection of telomeres 1; minus strand). Cytogenetic location: 7q31.33.
Variant type: single nucleotide variant.
Coding change: c.753G>A on transcript NM_015450.3 (MANE Select); coding-DNA position 753, G replaced by A.
Protein change: p.Met251Ile; replaces methionine 251 with isoleucine.
Molecular consequence: missense variant. On other transcripts: non-coding transcript variant (3).
Genome position (GRCh38, 1-based): chr7:124,853,088, C>T on the plus strand (G>A on the coding strand, the complement: POT1 is on the minus strand). VCF-style: chr7-124853088-C-T. GRCh37 (hg19) VCF-style: chr7-124493142-C-T.
Other names: c.360G>A, p.Met120Ile (NM_001042594.2); short protein forms M120I, M251I.
Identifiers: ClinVar variation 842709 (VCV000842709.13), dbSNP rs1172142052, ClinGen allele CA369055614.
Genomic context (GRCh38, chr7:124,853,088, plus strand): 5'-GTAACTGGTACCTCCATGAAGATGAAACTCTAAACTTAACATTGTCTGATTCTCTGAATT[C>T]ATTGATTGAAGTTTGGTATGAAGGCTATAGATTCTAAGAAAGCTTCCAACCTAAAAAATA-3'
Protein context (NP_056265.2, residues 241-261): IYSLHTKLQS[Met251Ile]NSENQTMLSL